The following is an entry in ClinVar:

NM_172107.4(KCNQ2):c.860C>T (p.Thr287Ile)

Gene: KCNQ2 (potassium voltage-gated channel subfamily Q member 2; minus strand). Cytogenetic location: 20q13.33.
Variant type: single nucleotide variant.
Coding change: c.860C>T on transcript NM_172107.4 (MANE Select); coding-DNA position 860, C replaced by T.
Protein change: p.Thr287Ile; replaces threonine 287 with isoleucine.
Molecular consequence: missense variant.
Genome position (GRCh38, 1-based): chr20:63,439,665, G>A on the plus strand (C>T on the coding strand, the complement: KCNQ2 is on the minus strand). VCF-style: chr20-63439665-G-A. GRCh37 (hg19) VCF-style: chr20-62071018-G-A.
Other names: c.860C>T, p.Thr287Ile (NM_004518.6, NM_172106.3, NM_172108.5 and 1 more transcripts); c.860C>T (NM_172107.2); short protein forms T287I.
Identifiers: ClinVar variation 167207 (VCV000167207.8), dbSNP rs727503973, ClinGen allele CA234149.

ClinVar aggregate classification (germline): Conflicting classifications of pathogenicity. Review status: criteria provided, conflicting classifications (1 of 4 stars). 3 submissions from 3 submitters: Pathogenic (2); Uncertain significance (1). Last evaluated 2023-02-22.

Conditions:
KCNQ2-Related Disorders. Also called: KCNQ2-related condition; KCNQ2-related disorder. Identifiers: MedGen CN169299.

Submissions (3):

GeneDx
Classification: Pathogenic. Last evaluated: 2023-02-22. Review status: criteria provided, single submitter. Criteria: GeneDx Variant Classification Process June 2021. Collection method: clinical testing. Allele origin: germline. Affected: yes.
Comment: Published functional studies demonstrate a dysfunctional effects on the Kv7.2 channel (PMID: 35269516); In silico analysis supports that this missense variant has a deleterious effect on protein structure/function; This substitution is predicted to be within the pore forming loop between the S5 and S6 transmembrane; Not observed at significant frequency in large population cohorts (gnomAD); Missense variants in this gene are often considered pathogenic (HGMD); This variant is associated with the following publications: (PMID: 33057194, 35982159, 35856407, 31199083, 31785789, 28867141, 35701389, 35269516)

Blueprint Genetics
Classification: Pathogenic for KCNQ2-related disorders. Last evaluated: 2022-08-09. Review status: criteria provided, single submitter. Criteria: ACMG Guidelines, 2015. Collection method: clinical testing. Allele origin: de novo. Affected: yes. Observed: 4 variant alleles.

Eurofins Ntd Llc (ga)
Classification: Uncertain significance. Last evaluated: 2014-04-07. Review status: criteria provided, single submitter. Criteria: EGL Classification Definitions 2015. Collection method: clinical testing. Allele origin: germline. Observed: 1 variant allele, 1 heterozygote.